The following is an entry in ClinVar:

ClinVar aggregate classification (germline): Uncertain significance (1 of 4 stars; one submission).

Allele frequency attached by ClinVar (database versions not stated): gnomAD exomes below 0.00001; ExAC 0.00001.
gnomAD v4.1: 3 of 1,613,394 alleles (0.00019%); highest among the groups gnomAD compares: Non-Finnish European, 0.00017%; no homozygotes.

Submission:

Labcorp Genetics (formerly Invitae), Labcorp
Classification: Uncertain significance. Last evaluated: 2023-12-09. Review status: criteria provided, single submitter. Criteria: Invitae Variant Classification Sherloc (09022015). Collection method: clinical testing. Allele origin: germline.
Comment: This sequence change replaces glutamine, which is neutral and polar, with arginine, which is basic and polar, at codon 238 of the TAB2 protein (p.Gln238Arg). This variant is present in population databases (rs751616426, gnomAD 0.0009%). This variant has not been reported in the literature in individuals affected with TAB2-related conditions. Advanced modeling of protein sequence and biophysical properties (such as structural, functional, and spatial information, amino acid conservation, physicochemical variation, residue mobility, and thermodynamic stability) performed at Invitae indicates that this missense variant is not expected to disrupt TAB2 protein function with a negative predictive value of 80%. In summary, the available evidence is currently insufficient to determine the role of this variant in disease. Therefore, it has been classified as a Variant of Uncertain Significance.

NM_001292034.3(TAB2):c.713A>G (p.Gln238Arg)

Genes: TAB2 (TGF-beta activated kinase 1 (MAP3K7) binding protein 2; plus strand), LOC126859827 (BRD4-independent group 4 enhancer GRCh37_chr6:149699707-149700906; plus strand). Cytogenetic location: 6q25.1.
Variant type: single nucleotide variant.
Coding change: c.713A>G on transcript NM_001292034.3 (MANE Select); coding-DNA position 713, A replaced by G.
Protein change: p.Gln238Arg; replaces glutamine 238 with arginine.
Molecular consequence: missense variant.
Genome position (GRCh38, 1-based): chr6:149,378,628, A>G. VCF-style: chr6-149378628-A-G. GRCh37 (hg19) VCF-style: chr6-149699764-A-G.
Other names: c.617A>G, p.Gln206Arg (NM_001292035.3); c.713A>G, p.Gln238Arg (NM_001369506.1, NM_015093.6); short protein forms Q238R, Q206R.
Identifiers: ClinVar variation 3022047 (VCV003022047.3), dbSNP rs751616426, ClinGen allele CA4041437.